The following is an entry in ClinVar:

ClinVar aggregate classification (germline): Pathogenic (1 of 4 stars; one submission).

Allele frequency attached by ClinVar (database versions not stated): TOPMed below 0.00001; gnomAD 0.00001.

Submission:

Labcorp Genetics (formerly Invitae), Labcorp
Classification: Pathogenic. Last evaluated: 2023-09-21. Review status: criteria provided, single submitter. Criteria: Invitae Variant Classification Sherloc (09022015). Collection method: clinical testing. Allele origin: germline.
Comment: For these reasons, this variant has been classified as Pathogenic. This variant has not been reported in the literature in individuals affected with GFM1-related conditions. This variant is present in population databases (no rsID available, gnomAD 0.007%). This sequence change creates a premature translational stop signal (p.Gln231*) in the GFM1 gene. It is expected to result in an absent or disrupted protein product. Loss-of-function variants in GFM1 are known to be pathogenic (PMID: 16632485, 17160893).

Literature cited by the submitters: PubMed 16632485; PubMed 17160893.

NM_024996.7(GFM1):c.691C>T (p.Gln231Ter)

Gene: GFM1 (G elongation factor mitochondrial 1; plus strand). Cytogenetic location: 3q25.32.
Variant type: single nucleotide variant.
Coding change: c.691C>T on transcript NM_024996.7 (MANE Select); coding-DNA position 691, C replaced by T.
Protein change: p.Gln231Ter; replaces glutamine 231 with a stop codon.
Molecular consequence: nonsense. On other transcripts: non-coding transcript variant (4), intron variant (1).
Genome position (GRCh38, 1-based): chr3:158,652,097, C>T. VCF-style: chr3-158652097-C-T. GRCh37 (hg19) VCF-style: chr3-158369886-C-T.
Other names: c.235-3C>T (NM_001374358.1); c.748C>T, p.Gln250Ter (NM_001308164.2, NM_001374355.1); c.691C>T, p.Gln231Ter (NM_001308166.2); c.574C>T, p.Gln192Ter (NM_001374356.1); c.466C>T, p.Gln156Ter (NM_001374357.1); c.124C>T, p.Gln42Ter (NM_001374359.1, NM_001374360.1); c.7C>T, p.Gln3Ter (NM_001374361.1); short protein forms Q231*, Q192*, Q156*, Q250*, Q3*, Q42*.
Identifiers: ClinVar variation 2957392 (VCV002957392.3), dbSNP rs1222939065, ClinGen allele CA355176593.